The following is an entry in ClinVar:

ClinVar aggregate classification (germline): Benign. Review status: criteria provided, multiple submitters, no conflicts (2 of 4 stars). 2 submissions from 2 submitters: Benign (2). Last evaluated 2026-02-01.

Conditions:
Candidiasis, familial, 9 (CANDF9). Identifiers: Orphanet 1334, MedGen C4225324, MONDO:0014642, OMIM 616445.

Allele frequency attached by ClinVar (database versions not stated): gnomAD exomes 0.00247; ExAC 0.00332; 1000 Genomes Project 0.00899; gnomAD 0.00908; 1000 Genomes Project 30x 0.00921; ESP Exome Variant Server 0.00969; TOPMed 0.01065.
gnomAD v4.1: 2,545 of 1,563,550 alleles (0.16%); highest among the groups gnomAD compares: African/African-American, 3.1%; 32 homozygotes.

Submissions (5):

Labcorp Genetics (formerly Invitae), Labcorp
Classification: Benign for Candidiasis, familial, 9. Last evaluated: 2026-02-01. Review status: criteria provided, single submitter. Criteria: Invitae Variant Classification Sherloc (09022015). Collection method: clinical testing. Allele origin: germline.

Mayo Clinic Laboratories, Mayo Clinic
Classification: Benign. Last evaluated: 2024-10-17. Review status: criteria provided, single submitter. Criteria: ACMG Guidelines, 2015. Collection method: clinical testing. Allele origin: germline. Observed: 2 variant alleles.
Comment: BS1, BS2, BP4

Dr. Peter K. Rogan Lab, Western University
No classification provided (evidence only). Condition: Familial cancer of breast. Review status: no classification provided. Collection method: in vitro. Allele origin: not applicable. Functional consequence: skipped exon, retained intron. Not counted in ClinVar's aggregate classification.

Dr. Peter K. Rogan Lab, Western University
No classification provided (evidence only). Condition: Sarcoma. Review status: no classification provided. Collection method: in vitro. Allele origin: not applicable. Functional consequence: skipped exon. Not counted in ClinVar's aggregate classification.

Dr. Peter K. Rogan Lab, Western University
No classification provided (evidence only). Condition: Malignant tumor of esophagus. Review status: no classification provided. Collection method: in vitro. Allele origin: not applicable. Functional consequence: retained intron. Not counted in ClinVar's aggregate classification.

NM_153460.4(IL17RC):c.622+8C>T

Gene: IL17RC (interleukin 17 receptor C; plus strand). Cytogenetic location: 3p25.3.
Variant type: single nucleotide variant.
Coding change: c.622+8C>T on transcript NM_153460.4 (MANE Select); 8 bases into the intron after coding-DNA position 622, C replaced by T.
Molecular consequence: intron variant.
Genome position (GRCh38, 1-based): chr3:9,920,977, C>T. VCF-style: chr3-9920977-C-T. GRCh37 (hg19) VCF-style: chr3-9962661-C-T.
Other names: p.?; c.835+8C>T (NM_153461.4); c.622+8C>T (NM_001203263.2, NM_001203264.2, NM_001367278.1); c.577+375C>T (NM_032732.6, NM_001367280.1, NM_001203265.2); c.502+375C>T (NM_001367279.1).
Identifiers: ClinVar variation 542549 (VCV000542549.13), dbSNP rs9864177, ClinGen allele CA2246892.